The following is an entry in ClinVar:

NM_013275.6(ANKRD11):c.1517C>T (p.Pro506Leu)

Gene: ANKRD11 (ankyrin repeat domain 11; minus strand). Cytogenetic location: 16q24.3.
Variant type: single nucleotide variant.
Coding change: c.1517C>T on transcript NM_013275.6 (MANE Select); coding-DNA position 1517, C replaced by T.
Protein change: p.Pro506Leu; replaces proline 506 with leucine.
Molecular consequence: missense variant.
Genome position (GRCh38, 1-based): chr16:89,285,025, G>A on the plus strand (C>T on the coding strand, the complement: ANKRD11 is on the minus strand). VCF-style: chr16-89285025-G-A. GRCh37 (hg19) VCF-style: chr16-89351433-G-A.
Other names: c.1517C>T, p.Pro506Leu (NM_001256182.2, NM_001256183.2); short protein forms P506L.
Identifiers: ClinVar variation 2906223 (VCV002906223.2), dbSNP rs757561738, ClinGen allele CA8242756.

ClinVar aggregate classification (germline): Uncertain significance (1 of 4 stars; one submission).

Conditions:
KBG syndrome (KBGS). Also called: ANKRD11-Related KBG Syndrome. Identifiers: Orphanet 2332, MedGen C0220687, MONDO:0007846, OMIM 148050.

Allele frequency attached by ClinVar (database versions not stated): gnomAD 0.00001; TOPMed 0.00001; ExAC 0.00002; gnomAD exomes 0.00003.
gnomAD v4.1: 44 of 1,613,852 alleles (0.0027%); highest among the groups gnomAD compares: Non-Finnish European, 0.0031%; no homozygotes.

Submission:

Labcorp Genetics (formerly Invitae), Labcorp
Classification: Uncertain significance for KBG syndrome. Last evaluated: 2023-03-20. Review status: criteria provided, single submitter. Criteria: Invitae Variant Classification Sherloc (09022015). Collection method: clinical testing. Allele origin: germline.
Comment: This sequence change replaces proline, which is neutral and non-polar, with leucine, which is neutral and non-polar, at codon 506 of the ANKRD11 protein (p.Pro506Leu). This variant is present in population databases (rs757561738, gnomAD 0.006%). This variant has not been reported in the literature in individuals affected with ANKRD11-related conditions. Advanced modeling of protein sequence and biophysical properties (such as structural, functional, and spatial information, amino acid conservation, physicochemical variation, residue mobility, and thermodynamic stability) performed at Invitae indicates that this missense variant is not expected to disrupt ANKRD11 protein function. In summary, the available evidence is currently insufficient to determine the role of this variant in disease. Therefore, it has been classified as a Variant of Uncertain Significance.